The following is an entry in ClinVar:

NM_031935.3(HMCN1):c.6422G>C (p.Gly2141Ala)

Gene: HMCN1 (hemicentin 1; plus strand). Cytogenetic location: 1q31.1.
Variant type: single nucleotide variant.
Coding change: c.6422G>C on transcript NM_031935.3 (MANE Select); coding-DNA position 6422, G replaced by C.
Protein change: p.Gly2141Ala; replaces glycine 2141 with alanine.
Molecular consequence: missense variant.
Genome position (GRCh38, 1-based): chr1:186,045,805, G>C. VCF-style: chr1-186045805-G-C. GRCh37 (hg19) VCF-style: chr1-186014937-G-C.
Other names: short protein forms G2141A.
Identifiers: ClinVar variation 1718752 (VCV001718752.5), dbSNP rs1457164981, ClinGen allele CA343899886.

ClinVar aggregate classification (germline): Uncertain significance (1 of 4 stars; one submission).

Submission:

Labcorp Genetics (formerly Invitae), Labcorp
Classification: Uncertain significance. Last evaluated: 2022-09-03. Review status: criteria provided, single submitter. Criteria: Invitae Variant Classification Sherloc (09022015). Collection method: clinical testing. Allele origin: germline.
Comment: Algorithms developed to predict the effect of missense changes on protein structure and function are either unavailable or do not agree on the potential impact of this missense change (SIFT: "Tolerated"; PolyPhen-2: "Probably Damaging"; Align-GVGD: "Class C0"). This variant has not been reported in the literature in individuals affected with HMCN1-related conditions. This variant is not present in population databases (gnomAD no frequency). This sequence change replaces glycine, which is neutral and non-polar, with alanine, which is neutral and non-polar, at codon 2141 of the HMCN1 protein (p.Gly2141Ala). In summary, the available evidence is currently insufficient to determine the role of this variant in disease. Therefore, it has been classified as a Variant of Uncertain Significance.